The following is an entry in ClinVar:

NM_001127222.2(CACNA1A):c.6085T>C (p.Ser2029Pro)

Gene: CACNA1A (calcium voltage-gated channel subunit alpha1 A; minus strand). Cytogenetic location: 19p13.13.
Variant type: single nucleotide variant.
Coding change: c.6085T>C on transcript NM_001127222.2 (MANE Select); coding-DNA position 6085, T replaced by C.
Protein change: p.Ser2029Pro; replaces serine 2029 with proline.
Molecular consequence: missense variant.
Genome position (GRCh38, 1-based): chr19:13,212,488, A>G on the plus strand (T>C on the coding strand, the complement: CACNA1A is on the minus strand). VCF-style: chr19-13212488-A-G. GRCh37 (hg19) VCF-style: chr19-13323302-A-G.
Other names: c.6103T>C, p.Ser2035Pro (NM_000068.4, NM_023035.3); c.6088T>C, p.Ser2030Pro (NM_001127221.2); c.6094T>C, p.Ser2032Pro (NM_001174080.2); short protein forms S2029P, S2030P, S2032P, S2035P.
Identifiers: ClinVar variation 3371824 (VCV003371824.3).

ClinVar aggregate classification (germline): Uncertain significance. Review status: criteria provided, multiple submitters, no conflicts (2 of 4 stars). 2 submissions from 2 submitters: Uncertain significance (2). Last evaluated 2025-12-19.

gnomAD v4.1: 2 of 1,590,814 alleles (0.00013%); highest among the groups gnomAD compares: South Asian, 0.0011%; no homozygotes.

Submissions (2):

GeneDx
Classification: Uncertain significance. Last evaluated: 2025-12-19. Review status: criteria provided, single submitter. Criteria: GeneDx Variant Classification Process June 2021. Collection method: clinical testing. Allele origin: germline. Affected: yes.
Comment: Not observed at significant frequency in large population cohorts (gnomAD); In silico analysis supports that this missense variant has a deleterious effect on protein structure/function; Has not been previously published as pathogenic or benign to our knowledge

Revvity Omics, Revvity
Classification: Uncertain significance. Last evaluated: 2024-01-17. Review status: criteria provided, single submitter. Criteria: ACMG Guidelines, 2015. Collection method: clinical testing. Allele origin: germline.